The following is an entry in ClinVar:

NM_000023.4(SGCA):c.819G>A (p.Pro273=)

Gene: SGCA (sarcoglycan alpha; plus strand). Cytogenetic location: 17q21.33.
Variant type: single nucleotide variant.
Coding change: c.819G>A on transcript NM_000023.4 (MANE Select); coding-DNA position 819, G replaced by A.
Protein change: p.Pro273=; no amino-acid change (proline 273 retained).
Molecular consequence: synonymous variant. On other transcripts: intron variant (1).
Genome position (GRCh38, 1-based): chr17:50,170,214, G>A. VCF-style: chr17-50170214-G-A. GRCh37 (hg19) VCF-style: chr17-48247575-G-A.
Other names: c.585-426G>A (NM_001135697.3); c.819G>A (LRG_203t1).
Identifiers: ClinVar variation 507976 (VCV000507976.11), dbSNP rs35972733, ClinGen allele CA8643922.

ClinVar aggregate classification (germline): Likely benign. Review status: criteria provided, multiple submitters, no conflicts (2 of 4 stars). 4 submissions from 4 submitters: Likely benign (4). Last evaluated 2024-10-01.

Conditions:
Autosomal recessive limb-girdle muscular dystrophy type 2D (LGMDR3). Also called: MUSCULAR DYSTROPHY, LIMB-GIRDLE, AUTOSOMAL RECESSIVE 3; DUCHENNE-LIKE AUTOSOMAL RECESSIVE MUSCULAR DYSTROPHY, TYPE 2; ADHALINOPATHY, PRIMARY. Identifiers: Orphanet 62, MedGen C2936332, MONDO:0011968, OMIM 608099. Disease mechanism: Affects gamma-sarcoglycan and also disrupts the integrity of the entire sarcoglycan complex..

Allele frequency attached by ClinVar (database versions not stated): TOPMed 0.00002.
gnomAD v4.1: 15 of 1,613,958 alleles (0.00093%); highest among the groups gnomAD compares: South Asian, 0.0011%; no homozygotes.

Submissions (4):

Labcorp Genetics (formerly Invitae), Labcorp
Classification: Likely benign for Autosomal recessive limb-girdle muscular dystrophy type 2D. Last evaluated: 2024-10-01. Review status: criteria provided, single submitter. Criteria: Invitae Variant Classification Sherloc (09022015). Collection method: clinical testing. Allele origin: germline.

Blueprint Genetics
Classification: Likely benign. Last evaluated: 2024-05-28. Review status: criteria provided, single submitter. Criteria: ACMG Guidelines, 2015. Collection method: clinical testing. Allele origin: germline.

Genome-Nilou Lab
Classification: Likely benign for Autosomal recessive limb-girdle muscular dystrophy type 2D. Last evaluated: 2023-02-08. Review status: criteria provided, single submitter. Criteria: ACMG Guidelines, 2015. Collection method: clinical testing. Allele origin: germline.

GeneDx
Classification: Likely benign. Last evaluated: 2017-03-15. Review status: criteria provided, single submitter. Criteria: GeneDx Variant Classification (06012015). Collection method: clinical testing. Allele origin: germline. Affected: yes.
Comment: This variant is considered likely benign or benign based on one or more of the following criteria: it is a conservative change, it occurs at a poorly conserved position in the protein, it is predicted to be benign by multiple in silico algorithms, and/or has population frequency not consistent with disease.